The following is an entry in ClinVar:

ClinVar aggregate classification (germline): Uncertain significance (1 of 4 stars; one submission).

gnomAD v4.1: 1 of 1,613,834 alleles (0.000062%); highest among the groups gnomAD compares: African/African-American, 0.0013%; no homozygotes.

Submission:

GeneDx
Classification: Uncertain significance. Last evaluated: 2024-03-20. Review status: criteria provided, single submitter. Criteria: GeneDx Variant Classification Process June 2021. Collection method: clinical testing. Allele origin: germline. Affected: yes.
Comment: Not observed at significant frequency in large population cohorts (gnomAD); In silico analysis supports that this missense variant does not alter protein structure/function; Has not been previously published as pathogenic or benign to our knowledge

NM_003590.5(CUL3):c.760A>C (p.Lys254Gln)

Gene: CUL3 (cullin 3; minus strand). Cytogenetic location: 2q36.2.
Variant type: single nucleotide variant.
Coding change: c.760A>C on transcript NM_003590.5 (MANE Select); coding-DNA position 760, A replaced by C.
Protein change: p.Lys254Gln; replaces lysine 254 with glutamine.
Molecular consequence: missense variant.
Genome position (GRCh38, 1-based): chr2:224,511,477, T>G on the plus strand (A>C on the coding strand, the complement: CUL3 is on the minus strand). VCF-style: chr2-224511477-T-G. GRCh37 (hg19) VCF-style: chr2-225376194-T-G.
Other names: c.562A>C, p.Lys188Gln (NM_001257197.2); c.778A>C, p.Lys260Gln (NM_001257198.2); short protein forms K188Q, K254Q, K260Q.
Identifiers: ClinVar variation 3371123 (VCV003371123.1).
Genomic context (GRCh38, chr2:224,511,477, plus strand): 5'-TCATGTGCTTGGAAATGAGTTCCCTTTCAACCACCTTTACAATTGGTTCTTCCGTTGATT[T>G]GTCAAGGCAGTGCATCACTCGTTCTATTTCTTCATTAATTCTAGCTTCTACTTTCTTTAT-3'
Protein context (NP_003581.1, residues 244-264): EIERVMHCLD[Lys254Gln]STEEPIVKVV